The following is an entry in ClinVar:

ClinVar aggregate classification (germline): Uncertain significance. Review status: criteria provided, multiple submitters, no conflicts (2 of 4 stars). 2 submissions from 2 submitters: Uncertain significance (2). Last evaluated 2024-07-08.

Conditions:
Bethlem myopathy 1A. Also called: Bethlem myopathy 1; MYOPATHY, BENIGN CONGENITAL, WITH CONTRACTURES; Bethlem Muscular Dystrophy. Identifiers: Orphanet 610, MedGen CN029274, MONDO:0024530, OMIM 158810.

Allele frequency attached by ClinVar (database versions not stated): gnomAD exomes below 0.00001; gnomAD 0.00001; TOPMed 0.00001.
gnomAD v4.1: 5 of 1,555,578 alleles (0.00032%); highest among the groups gnomAD compares: Non-Finnish European, 0.00044%; no homozygotes.

Submissions (2):

Labcorp Genetics (formerly Invitae), Labcorp
Classification: Uncertain significance for Bethlem myopathy 1A. Last evaluated: 2024-07-08. Review status: criteria provided, single submitter. Criteria: Invitae Variant Classification Sherloc (09022015). Collection method: clinical testing. Allele origin: germline.
Comment: This sequence change replaces alanine, which is neutral and non-polar, with proline, which is neutral and non-polar, at codon 552 of the COL6A1 protein (p.Ala552Pro). This variant is not present in population databases (gnomAD no frequency). This variant has not been reported in the literature in individuals affected with COL6A1-related conditions. ClinVar contains an entry for this variant (Variation ID: 1924811). Advanced modeling of protein sequence and biophysical properties (such as structural, functional, and spatial information, amino acid conservation, physicochemical variation, residue mobility, and thermodynamic stability) performed at Invitae indicates that this missense variant is expected to disrupt COL6A1 protein function with a positive predictive value of 95%. In summary, the available evidence is currently insufficient to determine the role of this variant in disease. Therefore, it has been classified as a Variant of Uncertain Significance.

Revvity Omics, Revvity
Classification: Uncertain significance. Last evaluated: 2022-03-29. Review status: criteria provided, single submitter. Criteria: ACMG Guidelines, 2015. Collection method: clinical testing. Allele origin: germline.

NM_001848.3(COL6A1):c.1654G>C (p.Ala552Pro)

Gene: COL6A1 (collagen type VI alpha 1 chain; plus strand). Cytogenetic location: 21q22.3.
Variant type: single nucleotide variant.
Coding change: c.1654G>C on transcript NM_001848.3 (MANE Select); coding-DNA position 1654, G replaced by C.
Protein change: p.Ala552Pro; replaces alanine 552 with proline.
Molecular consequence: missense variant.
Genome position (GRCh38, 1-based): chr21:45,998,939, G>C. VCF-style: chr21-45998939-G-C. GRCh37 (hg19) VCF-style: chr21-47418853-G-C.
Other names: short protein forms A552P.
Identifiers: ClinVar variation 1924811 (VCV001924811.8), dbSNP rs1397088680, ClinGen allele CA410530605.